The following is an entry in ClinVar:

NM_003590.5(CUL3):c.-220C>T

Gene: CUL3 (cullin 3; minus strand). Cytogenetic location: 2q36.2.
Variant type: single nucleotide variant.
Coding change: c.-220C>T on transcript NM_003590.5 (MANE Select); 220 bases upstream of the start codon, C replaced by T.
Molecular consequence: 5 prime UTR variant.
Genome position (GRCh38, 1-based): chr2:224,585,229, G>A on the plus strand (C>T on the coding strand, the complement: CUL3 is on the minus strand). VCF-style: chr2-224585229-G-A. GRCh37 (hg19) VCF-style: chr2-225449946-G-A.
Other names: c.-220C>T (NM_001257197.2).
Identifiers: ClinVar variation 898340 (VCV000898340.5), dbSNP rs193226396, ClinGen allele CA11345098.
Genomic context (GRCh38, chr2:224,585,229, plus strand): 5'-GCGGCGGGGGCGGCGGCGGCGGCGGCGGCGGCTCGGACTCTGGCGACTCCGATGCGGCTG[G>A]GGGGCTGCGCTGGCGCGGCGGCTCCGCGGGGTCCCCCTCACGTCCGGCTCGGCTCCCTTT-3'

ClinVar aggregate classification (germline): Benign. Review status: criteria provided, multiple submitters, no conflicts (2 of 4 stars). 2 submissions from 2 submitters: Benign (2). Last evaluated 2018-01-13.

Conditions:
Pseudohypoaldosteronism type 2E (PHA2E). Also called: Pseudohypoaldosteronism Type IIE. Identifiers: Orphanet 300530, Orphanet 757, MedGen C3469606, MONDO:0013782, OMIM 614496.

Allele frequency attached by ClinVar (database versions not stated): 1000 Genomes Project 0.01298; TOPMed 0.02846; gnomAD 0.02940 and 0.03037; gnomAD exomes 0.03763.
gnomAD v4.1: 13,314 of 387,820 alleles (3.4%); highest among the groups gnomAD compares: Non-Finnish European, 4.4%; 298 homozygotes.

Submissions (2):

Illumina Laboratory Services, Illumina
Classification: Benign for Pseudohypoaldosteronism type 2E. Last evaluated: 2018-01-13. Review status: criteria provided, single submitter. Criteria: ICSL Variant Classification Criteria 13 December 2019. Collection method: clinical testing. Allele origin: germline.
Comment: This variant was observed in the ICSL laboratory as part of a predisposition screen in an ostensibly healthy population. It had not been previously curated by ICSL or reported in the Human Gene Mutation Database (HGMD: prior to June 1st, 2018), and was therefore a candidate for classification through an automated scoring system. Utilizing variant allele frequency, disease prevalence and penetrance estimates, and inheritance mode, an automated score was calculated to assess if this variant is too frequent to cause the disease. Based on the score and internal cut-off values, a variant classified as benign is not then subjected to further curation. The score for this variant resulted in a classification of benign for this disease.

Breakthrough Genomics
Classification: Benign. Review status: criteria provided, single submitter. Criteria: ACMG Guidelines, 2015. Collection method: not provided. Allele origin: germline. Inheritance: Autosomal dominant inheritance. Affected: yes.